The following is an entry in ClinVar:

NM_005228.5(EGFR):c.2224G>A (p.Val742Ile)

Gene: EGFR (epidermal growth factor receptor; plus strand). Cytogenetic location: 7p11.2.
Variant type: single nucleotide variant.
Coding change: c.2224G>A on transcript NM_005228.5 (MANE Select); coding-DNA position 2224, G replaced by A.
Protein change: p.Val742Ile; replaces valine 742 with isoleucine.
Molecular consequence: missense variant.
Genome position (GRCh38, 1-based): chr7:55,174,761, G>A. VCF-style: chr7-55174761-G-A. GRCh37 (hg19) VCF-style: chr7-55242454-G-A.
Other names: c.2089G>A, p.Val697Ile (NM_001346897.2, NM_001346899.2); c.2224G>A, p.Val742Ile (NM_001346898.2); c.2065G>A, p.Val689Ile (NM_001346900.2); c.1423G>A, p.Val475Ile (NM_001346941.2); short protein forms V742I, V475I, V697I, V689I.
Identifiers: ClinVar variation 134026 (VCV000134026.11), dbSNP rs587778250, ClinGen allele CA158456.

ClinVar aggregate classification (germline): Conflicting classifications of pathogenicity. Review status: criteria provided, conflicting classifications (1 of 4 stars). 5 submissions from 5 submitters: Uncertain significance (2); Likely benign (2). 1 of the submissions does not count toward it. Last evaluated 2025-10-29.

Conditions:
Diffuse midline glioma, H3 K27-altered. Identifiers: MedGen C5669877, MONDO:1060171.
Lung cancer. Also called: Lung cancer, somatic; Malignant tumor of lung. Identifiers: MedGen C0242379, MONDO:0008903, OMIM 211980.
Hereditary cancer-predisposing syndrome. Also called: Tumor predisposition; Hereditary neoplastic syndrome; Neoplastic Syndromes, Hereditary; Hereditary Cancer Syndrome. Identifiers: Orphanet 140162, MedGen C0027672, MeSH D009386, MONDO:0015356.
EGFR-related lung cancer (EGFR). Identifiers: MedGen CN130014.

Allele frequency attached by ClinVar (database versions not stated): gnomAD 0.00001; TOPMed 0.00001; ExAC 0.00002; gnomAD exomes 0.00002 and 0.00004.
gnomAD v4.1: 56 of 1,613,952 alleles (0.0035%); highest among the groups gnomAD compares: Middle Eastern, 0.016%; no homozygotes.

Submissions (5):

Labcorp Genetics (formerly Invitae), Labcorp
Classification: Likely benign for EGFR-related lung cancer. Last evaluated: 2025-10-29. Review status: criteria provided, single submitter. Criteria: Invitae Variant Classification Sherloc (09022015). Collection method: clinical testing. Allele origin: germline.

Ambry Genetics
Classification: Uncertain significance for Hereditary cancer-predisposing syndrome. Last evaluated: 2025-01-08. Review status: criteria provided, single submitter. Criteria: Ambry Variant Classification Scheme 2023. Collection method: clinical testing. Allele origin: germline.
Comment: The p.V742I variant (also known as c.2224G>A), located in coding exon 19 of the EGFR gene, results from a G to A substitution at nucleotide position 2224. The valine at codon 742 is replaced by isoleucine, an amino acid with highly similar properties. This amino acid position is highly conserved in available vertebrate species. In addition, the in silico prediction for this alteration is inconclusive. Based on the available evidence, the clinical significance of this variant remains unclear.

Myriad Genetics, Inc.
Classification: Likely benign for Lung cancer. Last evaluated: 2024-10-16. Review status: criteria provided, single submitter. Criteria: Myriad Autosomal Dominant, Autosomal Recessive and X-Linked Classification Criteria (2023). Collection method: clinical testing. Allele origin: unknown.
Comment: This variant is considered likely benign. This variant has been observed at a population frequency that is significantly greater than expected given the associated disease prevalence and penetrance.

Laboratory of Medical Genetics Unit, Bambino Gesù Children's Hospital
Classification: Uncertain significance for Diffuse midline glioma, H3 K27-altered. Last evaluated: 2022-04-08. Review status: criteria provided, single submitter. Criteria: ACMG Guidelines, 2015. Collection method: research. Allele origin: germline. Affected: yes. Observed: 1 heterozygote.

ITMI
No classification provided. Condition: AllHighlyPenetrant. Last evaluated: 2013-09-19. Review status: no classification provided. Collection method: reference population. Allele origin: germline. Not counted in ClinVar's aggregate classification.
Comment: Please see associated publication for description of ethnicities

Literature cited by the submitters: PubMed 24728327 (cited by ITMI).